The following is an entry in ClinVar:

ClinVar aggregate classification (germline): Uncertain significance (1 of 4 stars; one submission).

Submission:

Labcorp Genetics (formerly Invitae), Labcorp
Classification: Uncertain significance. Last evaluated: 2026-01-02. Review status: criteria provided, single submitter. Criteria: Invitae Variant Classification Sherloc (09022015). Collection method: clinical testing. Allele origin: germline.
Comment: This sequence change replaces valine, which is neutral and non-polar, with methionine, which is neutral and non-polar, at codon 76 of the REN protein (p.Val76Met). This variant is present in population databases (rs777778258, gnomAD 0.007%). This variant has not been reported in the literature in individuals affected with REN-related conditions. Invitae Evidence Modeling of protein sequence and biophysical properties (such as structural, functional, and spatial information, amino acid conservation, physicochemical variation, residue mobility, and thermodynamic stability) indicates that this missense variant is not expected to disrupt REN protein function with a negative predictive value of 80%. In summary, the available evidence is currently insufficient to determine the role of this variant in disease. Therefore, it has been classified as a Variant of Uncertain Significance.

NM_000537.4(REN):c.226G>A (p.Val76Met)

Gene: REN (renin; minus strand). Cytogenetic location: 1q32.1.
Variant type: single nucleotide variant.
Coding change: c.226G>A on transcript NM_000537.4 (MANE Select); coding-DNA position 226, G replaced by A.
Protein change: p.Val76Met; replaces valine 76 with methionine.
Molecular consequence: missense variant.
Genome position (GRCh38, 1-based): chr1:204,162,036, C>T on the plus strand (G>A on the coding strand, the complement: REN is on the minus strand). VCF-style: chr1-204162036-C-T. GRCh37 (hg19) VCF-style: chr1-204131164-C-T.
Other names: short protein forms V76M.
Identifiers: ClinVar variation 4797064 (VCV004797064.1).
Genomic context (GRCh38, chr1:204,162,036, plus strand): 5'-GACAGGGAGGGAGCGAGGGGCTGAGCCAAGCACTCACGTCCATGTAGTTGGTGAGGATCA[C>T]GGAGGAGGTGGTGTTGCCAAGTGTCAGCCTCTTCATGGGTTGGCTCCACTCGGGACCAAG-3'
Protein context (NP_000528.1, residues 66-86): RLTLGNTTSS[Val76Met]ILTNYMDTQY